The following is an entry in ClinVar:

NM_003183.6(ADAM17):c.1480A>G (p.Met494Val)

Genes: ADAM17 (ADAM metallopeptidase domain 17; minus strand), IAH1 (isoamyl acetate hydrolyzing esterase 1 (putative); plus strand). Cytogenetic location: 2p25.1.
Variant type: single nucleotide variant.
Coding change: c.1480A>G on transcript NM_003183.6 (MANE Select); coding-DNA position 1480, A replaced by G.
Protein change: p.Met494Val; replaces methionine 494 with valine.
Molecular consequence: missense variant.
Genome position (GRCh38, 1-based): chr2:9,505,230, T>C on the plus strand (A>G on the coding strand, the complement: ADAM17 is on the minus strand). VCF-style: chr2-9505230-T-C. GRCh37 (hg19) VCF-style: chr2-9645359-T-C.
Other names: c.820A>G, p.Met274Val (NM_001382777.1); c.583A>G, p.Met195Val (NM_001382778.1); c.1480A>G (NM_003183.4); short protein forms M494V, M274V, M195V.
Identifiers: ClinVar variation 1367737 (VCV001367737.4), dbSNP rs1038962906, ClinGen allele CA42373966.

ClinVar aggregate classification (germline): Uncertain significance. Review status: criteria provided, multiple submitters, no conflicts (2 of 4 stars). 2 submissions from 2 submitters: Uncertain significance (2). Last evaluated 2024-08-20.

Conditions:
Inborn genetic diseases. Identifiers: MedGen C0950123, MeSH D030342.
Inflammatory skin and bowel disease, neonatal, 1. Identifiers: Orphanet 294023, MedGen C3280501, MONDO:0013693, OMIM 614328.

Allele frequency attached by ClinVar (database versions not stated): gnomAD exomes below 0.00001 and 0.00001; gnomAD 0.00034; TOPMed 0.00042.
gnomAD v4.1: 56 of 1,614,092 alleles (0.0035%); highest among the groups gnomAD compares: South Asian, 0.0066%; no homozygotes.

Submissions (2):

Ambry Genetics
Classification: Uncertain significance for Inborn genetic diseases. Last evaluated: 2024-08-20. Review status: criteria provided, single submitter. Criteria: Ambry Variant Classification Scheme 2023. Collection method: clinical testing. Allele origin: germline.

Labcorp Genetics (formerly Invitae), Labcorp
Classification: Uncertain significance for Inflammatory skin and bowel disease, neonatal, 1. Last evaluated: 2022-05-29. Review status: criteria provided, single submitter. Criteria: Invitae Variant Classification Sherloc (09022015). Collection method: clinical testing. Allele origin: germline.
Comment: This sequence change replaces methionine, which is neutral and non-polar, with valine, which is neutral and non-polar, at codon 494 of the ADAM17 protein (p.Met494Val). This variant is present in population databases (no rsID available, gnomAD 0.003%). This variant has not been reported in the literature in individuals affected with ADAM17-related conditions. ClinVar contains an entry for this variant (Variation ID: 1367737). Algorithms developed to predict the effect of missense changes on protein structure and function are either unavailable or do not agree on the potential impact of this missense change (SIFT: "Not Available"; PolyPhen-2: "Benign"; Align-GVGD: "Not Available"). In summary, the available evidence is currently insufficient to determine the role of this variant in disease. Therefore, it has been classified as a Variant of Uncertain Significance.